The following is an entry in ClinVar:

NM_002890.3(RASA1):c.2449T>C (p.Ser817Pro)

Genes: CCNH (cyclin H; minus strand), RASA1 (RAS p21 protein activator 1; plus strand). Cytogenetic location: 5q14.3.
Variant type: single nucleotide variant.
Coding change: c.2449T>C on transcript NM_002890.3 (MANE Select); coding-DNA position 2449, T replaced by C.
Protein change: p.Ser817Pro; replaces serine 817 with proline.
Molecular consequence: missense variant. On other transcripts: intron variant (1).
Genome position (GRCh38, 1-based): chr5:87,378,500, T>C. VCF-style: chr5-87378500-T-C. GRCh37 (hg19) VCF-style: chr5-86674317-T-C.
Other names: c.1918T>C, p.Ser640Pro (NM_022650.3); c.933+16544A>G (NM_001364075.2); short protein forms S817P, S640P.
Identifiers: ClinVar variation 1047469 (VCV001047469.11), dbSNP rs1252322867, ClinGen allele CA360382597.
Genomic context (GRCh38, chr5:87,378,500, plus strand): 5'-TTGATGGAGCAGTATATGAAAGCCACTGCTACACAGTTTGTTCATCATGCTTTGAAAGAC[T>C]CTATTTTAAAGATAATGGAAAGCAAGCAGTCTTGTGAGGTAAGAATTTAATGTTTTAATA-3'
Protein context (NP_002881.1, residues 807-827): TQFVHHALKD[Ser817Pro]ILKIMESKQS

ClinVar aggregate classification (germline): Uncertain significance. Review status: criteria provided, multiple submitters, no conflicts (2 of 4 stars). 2 submissions from 2 submitters: Uncertain significance (2). Last evaluated 2025-04-01.

Conditions:
Capillary malformation-arteriovenous malformation syndrome. Also called: Capillary malformation-arteriovenous malformation. Identifiers: Orphanet 137667, MedGen C1842180, MONDO:0012016.
Cardiovascular phenotype. Identifiers: MedGen CN230736.

Allele frequency attached by ClinVar (database versions not stated): TOPMed 0.00001.
gnomAD v4.1: 4 of 1,611,636 alleles (0.00025%); highest among the groups gnomAD compares: African/African-American, 0.0053%; no homozygotes.

Submissions (2):

Labcorp Genetics (formerly Invitae), Labcorp
Classification: Uncertain significance for Capillary malformation-arteriovenous malformation syndrome. Last evaluated: 2025-04-01. Review status: criteria provided, single submitter. Criteria: Invitae Variant Classification Sherloc (09022015). Collection method: clinical testing. Allele origin: germline.
Comment: This sequence change replaces serine, which is neutral and polar, with proline, which is neutral and non-polar, at codon 817 of the RASA1 protein (p.Ser817Pro). This variant is present in population databases (no rsID available, gnomAD 0.01%). This variant has not been reported in the literature in individuals affected with RASA1-related conditions. ClinVar contains an entry for this variant (Variation ID: 1047469). An algorithm developed to predict the effect of missense changes on protein structure and function (PolyPhen-2) suggests that this variant is likely to be disruptive. In summary, the available evidence is currently insufficient to determine the role of this variant in disease. Therefore, it has been classified as a Variant of Uncertain Significance.

Ambry Genetics
Classification: Uncertain significance for Cardiovascular phenotype. Last evaluated: 2018-05-16. Review status: criteria provided, single submitter. Criteria: Ambry Variant Classification Scheme 2023. Collection method: clinical testing. Allele origin: germline.
Comment: The p.S817P variant (also known as c.2449T>C), located in coding exon 18 of the RASA1 gene, results from a T to C substitution at nucleotide position 2449. The serine at codon 817 is replaced by proline, an amino acid with similar properties. This amino acid position is not well conserved in available vertebrate species. In addition, the in silico prediction for this alteration is inconclusive. Since supporting evidence is limited at this time, the clinical significance of this alteration remains unclear.